The following is an entry in ClinVar:

ClinVar aggregate classification (germline): Conflicting classifications of pathogenicity. Review status: criteria provided, conflicting classifications (1 of 4 stars). 8 submissions from 8 submitters: Uncertain significance (1); Likely benign (4). 3 of the submissions do not count toward it. Last evaluated 2026-02-07.

Conditions:
GLIS3-related disorder. Also called: GLIS3-related condition.
Monogenic diabetes. Identifiers: Orphanet 183625, MedGen C3888631, MONDO:0015967.
Neonatal diabetes mellitus with congenital hypothyroidism. Also called: NDH SYNDROME. Identifiers: Orphanet 79118, MedGen C1857775, MONDO:0012436, OMIM 610199.

Allele frequency attached by ClinVar (database versions not stated): 1000 Genomes Project 30x 0.00031; 1000 Genomes Project 0.00040; TOPMed 0.00123; ESP Exome Variant Server 0.00177; gnomAD exomes 0.00199.
gnomAD v4.1: 3,122 of 1,614,206 alleles (0.19%); highest among the groups gnomAD compares: Non-Finnish European, 0.24%; 3 homozygotes.

Submissions (8):

PreventionGenetics, part of Exact Sciences
Classification: Likely benign for GLIS3-related condition. Last evaluated: 2026-02-07. Review status: criteria provided, single submitter. Criteria: ACMG Guidelines, 2015. Collection method: clinical testing. Allele origin: germline.
Comment: This variant is classified as likely benign based on ACMG/AMP sequence variant interpretation guidelines (Richards et al. 2015 PMID: 25741868, with internal and published modifications).

Labcorp Genetics (formerly Invitae), Labcorp
Classification: Likely benign. Last evaluated: 2025-12-22. Review status: criteria provided, single submitter. Criteria: Invitae Variant Classification Sherloc (09022015). Collection method: clinical testing. Allele origin: germline.

GeneDx
Classification: Likely benign. Last evaluated: 2021-06-04. Review status: criteria provided, single submitter. Criteria: GeneDx Variant Classification Process June 2021. Collection method: clinical testing. Allele origin: germline. Affected: yes.

Personalized Diabetes Medicine Program, University of Maryland School of Medicine
Classification: Uncertain significance for Monogenic diabetes. Last evaluated: 2018-06-01. Review status: criteria provided, single submitter. Criteria: ACMG Guidelines, 2015. Collection method: research. Allele origin: unknown. Observed: 4 variant alleles, 4 heterozygotes.
Comment: ACMG criteria: BP4 (six predictors plus Revel score: 0.0104; not using PP3 (four predictors)= VUS

Illumina Laboratory Services, Illumina
Classification: Likely benign for Neonatal diabetes mellitus with congenital hypothyroidism. Last evaluated: 2018-01-12. Review status: criteria provided, single submitter. Criteria: ICSL Variant Classification Criteria 13 December 2019. Collection method: clinical testing. Allele origin: germline.
Comment: This variant was observed in the ICSL laboratory as part of a predisposition screen in an ostensibly healthy population. It had not been previously curated by ICSL or reported in the Human Gene Mutation Database (HGMD: prior to June 1st, 2018), and was therefore a candidate for classification through an automated scoring system. Utilizing variant allele frequency, disease prevalence and penetrance estimates, and inheritance mode, an automated score was calculated to assess if this variant is too frequent to cause the disease. Based on the score and internal cut-off values, a variant classified as likely benign is not then subjected to further curation. The score for this variant resulted in a classification of likely benign for this disease.

Clinical Genetics, Academic Medical Center
Classification: Likely benign. Review status: no assertion criteria provided. Collection method: clinical testing. Allele origin: germline. Affected: yes. Study: VKGL Data-share Consensus. Not counted in ClinVar's aggregate classification.

Genome Diagnostics Laboratory, University Medical Center Utrecht
Classification: Likely benign. Review status: no assertion criteria provided. Collection method: clinical testing. Allele origin: germline. Affected: yes. Study: VKGL Data-share Consensus. Not counted in ClinVar's aggregate classification.

Laboratory of Diagnostic Genome Analysis, Leiden University Medical Center (LUMC)
Classification: Likely benign. Review status: no assertion criteria provided. Collection method: clinical testing. Allele origin: germline. Affected: yes. Study: VKGL Data-share Consensus. Not counted in ClinVar's aggregate classification.

NM_001042413.2(GLIS3):c.844C>G (p.Pro282Ala)

Gene: GLIS3 (GLIS family zinc finger 3; minus strand). Cytogenetic location: 9p24.2.
Variant type: single nucleotide variant.
Coding change: c.844C>G on transcript NM_001042413.2 (MANE Select); coding-DNA position 844, C replaced by G.
Protein change: p.Pro282Ala; replaces proline 282 with alanine.
Molecular consequence: missense variant.
Genome position (GRCh38, 1-based): chr9:4,118,634, G>C on the plus strand (C>G on the coding strand, the complement: GLIS3 is on the minus strand). VCF-style: chr9-4118634-G-C. GRCh37 (hg19) VCF-style: chr9-4118634-G-C.
Other names: c.379C>G, p.Pro127Ala (NM_152629.4); short protein forms P282A, P127A.
Identifiers: ClinVar variation 366990 (VCV000366990.22), dbSNP rs143051164, ClinGen allele CA4968390.